The following is an entry in ClinVar:

NM_001009944.3(PKD1):c.6466C>T (p.Pro2156Ser)

Gene: PKD1 (polycystin 1, transient receptor potential channel interacting; minus strand). Cytogenetic location: 16p13.3.
Variant type: single nucleotide variant.
Coding change: c.6466C>T on transcript NM_001009944.3 (MANE Select); coding-DNA position 6466, C replaced by T.
Protein change: p.Pro2156Ser; replaces proline 2156 with serine.
Molecular consequence: missense variant.
Genome position (GRCh38, 1-based): chr16:2,108,701, G>A on the plus strand (C>T on the coding strand, the complement: PKD1 is on the minus strand). VCF-style: chr16-2108701-G-A. GRCh37 (hg19) VCF-style: chr16-2158702-G-A.
Other names: c.6466C>T, p.Pro2156Ser (NM_000296.4); short protein forms P2156S.
Identifiers: ClinVar variation 5010279 (VCV005010279.1).

ClinVar aggregate classification (germline): Uncertain significance (1 of 4 stars; one submission).

Conditions:
Polycystic kidney disease. Also called: Polycystic kidney dysplasia; Kidney, Polycystic. Identifiers: MedGen C0022680, MeSH D007690, MONDO:0020642, HP:0000113.

gnomAD v4.1: 4 of 1,569,932 alleles (0.00025%); highest among the groups gnomAD compares: Non-Finnish European, 0.00035%; no homozygotes.

Submission:

Clinical Genetics Laboratory, Skane University Hospital Lund
Classification: Uncertain significance for Polycystic kidney disease. Last evaluated: 2026-08-26. Review status: criteria provided, single submitter. Criteria: ACMG Guidelines, 2015. Collection method: clinical testing. Allele origin: germline. Affected: yes.
Comment: ACMG criteria used: PM2, PP4_Moderate, BP4